The following is an entry in ClinVar:

NM_001242.5(CD27):c.766C>G (p.Pro256Ala)

Genes: CD27 (CD27 molecule; plus strand), CD27-AS1 (CD27 antisense RNA 1; minus strand). Cytogenetic location: 12p13.31.
Variant type: single nucleotide variant.
Coding change: c.766C>G on transcript NM_001242.5 (MANE Select); coding-DNA position 766, C replaced by G.
Protein change: p.Pro256Ala; replaces proline 256 with alanine.
Molecular consequence: missense variant. On other transcripts: non-coding transcript variant (1).
Genome position (GRCh38, 1-based): chr12:6,451,375, C>G. VCF-style: chr12-6451375-C-G. GRCh37 (hg19) VCF-style: chr12-6560541-C-G.
Other names: short protein forms P256A.
Identifiers: ClinVar variation 947501 (VCV000947501.7), dbSNP rs751930967, ClinGen allele CA6407094.

ClinVar aggregate classification (germline): Uncertain significance (1 of 4 stars; one submission).

Conditions:
Lymphoproliferative syndrome 2 (LPFS2). Also called: CD27 DEFICIENCY; Combined immunodeficiency due to CD27 deficiency. Identifiers: Orphanet 238505, MedGen C3554540, MONDO:0014054, OMIM 615122.

Allele frequency attached by ClinVar (database versions not stated): gnomAD exomes 0.00001; ExAC 0.00001.
gnomAD v4.1: 9 of 1,613,282 alleles (0.00056%); highest among the groups gnomAD compares: Non-Finnish European, 0.00068%; no homozygotes.

Submission:

Labcorp Genetics (formerly Invitae), Labcorp
Classification: Uncertain significance for Lymphoproliferative syndrome 2. Last evaluated: 2021-08-31. Review status: criteria provided, single submitter. Criteria: Invitae Variant Classification Sherloc (09022015). Collection method: clinical testing. Allele origin: germline.
Comment: This sequence change replaces proline with alanine at codon 256 of the CD27 protein (p.Pro256Ala). The proline residue is highly conserved and there is a small physicochemical difference between proline and alanine. This variant is present in population databases (rs751930967, ExAC 0.002%). This variant has not been reported in the literature in individuals affected with CD27-related conditions. Algorithms developed to predict the effect of missense changes on protein structure and function (SIFT, PolyPhen-2, Align-GVGD) all suggest that this variant is likely to be disruptive. In summary, the available evidence is currently insufficient to determine the role of this variant in disease. Therefore, it has been classified as a Variant of Uncertain Significance.